The following is an entry in ClinVar:

ClinVar aggregate classification (germline): Pathogenic/Likely pathogenic. Review status: criteria provided, multiple submitters, no conflicts (2 of 4 stars). 3 submissions from 3 submitters: Pathogenic (1); Likely pathogenic (2). Last evaluated 2023-10-22.

Conditions:
Hereditary spastic paraplegia 11. Also called: Spastic paraplegia, mental retardation and thin corpus callosum; Nakamura Osame syndrome; Autosomal recessive hereditary spastic paraplegia, mental impairment, and thin corpus callosum; SPASTIC PARAPLEGIA, AUTOSOMAL RECESSIVE, COMPLICATED, WITH THIN CORPUS CALLOSUM; SPASTIC PARAPLEGIA, AUTOSOMAL RECESSIVE, WITH MENTAL IMPAIRMENT AND THIN CORPUS CALLOSUM; Spastic Paraplegia 11. Identifiers: Orphanet 2822, MedGen C1858479, MONDO:0011445, OMIM 604360.
Hereditary spastic paraplegia. Also called: Familial spastic paraparesis. Identifiers: Orphanet 685, MedGen C0037773, MONDO:0019064. Disease mechanism: loss of function.

Submissions (3):

Labcorp Genetics (formerly Invitae), Labcorp
Classification: Pathogenic for Hereditary spastic paraplegia 11. Last evaluated: 2023-10-22. Review status: criteria provided, single submitter. Criteria: Invitae Variant Classification Sherloc (09022015). Collection method: clinical testing. Allele origin: germline.
Comment: This sequence change creates a premature translational stop signal (p.Lys1621Glufs*8) in the SPG11 gene. It is expected to result in an absent or disrupted protein product. Loss-of-function variants in SPG11 are known to be pathogenic (PMID: 19105190, 20110243, 22154821, 26556829). This variant is not present in population databases (gnomAD no frequency). This variant has not been reported in the literature in individuals affected with SPG11-related conditions. ClinVar contains an entry for this variant (Variation ID: 845182). For these reasons, this variant has been classified as Pathogenic.

Women's Health and Genetics/Laboratory Corporation of America, LabCorp
Classification: Likely pathogenic for Hereditary spastic paraplegia. Last evaluated: 2022-08-16. Review status: criteria provided, single submitter. Criteria: LabCorp Variant Classification Summary - May 2015. Collection method: clinical testing. Allele origin: germline.
Comment: Variant summary: SPG11 c.4860dupG (p.Lys1621GlufsX8) results in a premature termination codon, predicted to cause a truncation of the encoded protein or absence of the protein due to nonsense mediated decay, which are commonly known mechanisms for disease. The variant was absent in 251334 control chromosomes. To our knowledge, no occurrence of c.4860dupG in individuals affected with Hereditary Spastic Paraplegia, Type 11 and no experimental evidence demonstrating its impact on protein function have been reported. One clinical diagnostic laboratory has submitted clinical-significance assessments for this variant to ClinVar after 2014 without evidence for independent evaluation and classified the variant as pathogenic. Based on the evidence outlined above, the variant was classified as likely pathogenic.

Genome-Nilou Lab
Classification: Likely pathogenic for Hereditary spastic paraplegia 11. Review status: criteria provided, single submitter. Criteria: ACMG Guidelines, 2015. Collection method: clinical testing. Allele origin: germline.

Literature cited by the submitters: PubMed 19105190 (cited by Labcorp Genetics (formerly Invitae), Labcorp); PubMed 20110243 (cited by Labcorp Genetics (formerly Invitae), Labcorp); PubMed 22154821 (cited by Labcorp Genetics (formerly Invitae), Labcorp); PubMed 26556829 (cited by Labcorp Genetics (formerly Invitae), Labcorp).

NM_025137.4(SPG11):c.4860dup (p.Lys1621fs)

Gene: SPG11 (SPG11 vesicle trafficking associated, spatacsin; minus strand). Cytogenetic location: 15q21.1.
Variant type: Duplication.
Coding change: c.4860dup on transcript NM_025137.4 (MANE Select); coding-DNA position 4860, one base duplicated (G; older notation c.4860dupG).
Protein change: p.Lys1621fs; shifts the reading frame from lysine 1621.
Molecular consequence: frameshift variant.
Genome position (GRCh38, 1-based): chr15:44,589,298, C duplicated on the plus strand (G on the coding strand, the reverse complement: SPG11 is on the minus strand); the first of 4 consecutive C bases (chr15:44,589,298-44,589,301); duplicating any one gives the same sequence. VCF-style (leftmost placement, unchanged base first): chr15-44589297-T-TC. GRCh37 (hg19) VCF-style: chr15-44881495-T-TC.
Other names: c.4860dupG (NM_025137.3); c.4860dup, p.Lys1621fs (NM_001160227.2); short protein forms K1621fs.
Identifiers: ClinVar variation 845182 (VCV000845182.9), dbSNP rs1418873962, ClinGen allele CA713072992.